The following is an entry in ClinVar:

ClinVar aggregate classification (germline): Likely benign (0 of 4 stars; one submission).

Conditions:
PLXNA3-related disorder. Also called: PLXNA3-related condition.

Submission:

PreventionGenetics, part of Exact Sciences
Classification: Likely benign for PLXNA3-related condition. Last evaluated: 2023-12-27. Review status: no assertion criteria provided. Collection method: clinical testing. Allele origin: germline.
Comment: This variant is classified as likely benign based on ACMG/AMP sequence variant interpretation guidelines (Richards et al. 2015 PMID: 25741868, with internal and published modifications).

NM_017514.5(PLXNA3):c.4677C>T (p.Leu1559=)

Gene: PLXNA3 (plexin A3; plus strand). Cytogenetic location: Xq28.
Variant type: single nucleotide variant.
Coding change: c.4677C>T on transcript NM_017514.5 (MANE Select); coding-DNA position 4677, C replaced by T.
Protein change: p.Leu1559=; no amino-acid change (leucine 1559 retained).
Molecular consequence: synonymous variant.
Genome position (GRCh38, 1-based): chrX:154,469,461, C>T. VCF-style: chrX-154469461-C-T. GRCh37 (hg19) VCF-style: chrX-153697804-C-T.
Identifiers: ClinVar variation 3354126 (VCV003354126.1).